The following is an entry in ClinVar:

NM_001128225.3(SLC39A13):c.427C>T (p.Gln143Ter)

Gene: SLC39A13 (solute carrier family 39 member 13; plus strand). Cytogenetic location: 11p11.2.
Variant type: single nucleotide variant.
Coding change: c.427C>T on transcript NM_001128225.3 (MANE Select); coding-DNA position 427, C replaced by T.
Protein change: p.Gln143Ter; replaces glutamine 143 with a stop codon.
Molecular consequence: nonsense. On other transcripts: non-coding transcript variant (1).
Genome position (GRCh38, 1-based): chr11:47,412,357, C>T. VCF-style: chr11-47412357-C-T. GRCh37 (hg19) VCF-style: chr11-47433908-C-T.
Other names: c.427C>T, p.Gln143Ter (NM_001330245.2, NM_152264.5); short protein forms Q143*.
Identifiers: ClinVar variation 1500325 (VCV001500325.4), dbSNP rs752159748, ClinGen allele CA5975788.
Genomic context (GRCh38, chr11:47,412,357, plus strand): 5'-CCCTGGCTTGGCTTGGCCTGGCCTGGCCTGGCATTGCCGCCCCCTGCAGGTGGTGAGGGG[C>T]AGAGCCTGCAGCAGCAGCAACAGCTGGGGCTGTGGGTCATTGCTGGCATCCTGACCTTCC-3'

ClinVar aggregate classification (germline): Uncertain significance (1 of 4 stars; one submission).

Conditions:
Ehlers-Danlos syndrome, spondylodysplastic type, 3. Also called: Ehlers-Danlos syndrome, spondylocheirodysplastic type. Identifiers: Orphanet 157965, MedGen C2676510, MONDO:0012873, OMIM 612350.

Allele frequency attached by ClinVar (database versions not stated): ExAC 0.00001; gnomAD exomes 0.00001; TOPMed 0.00001.

Submission:

Labcorp Genetics (formerly Invitae), Labcorp
Classification: Uncertain significance for Ehlers-Danlos syndrome, spondylodysplastic type, 3. Last evaluated: 2022-06-20. Review status: criteria provided, single submitter. Criteria: Invitae Variant Classification Sherloc (09022015). Collection method: clinical testing. Allele origin: germline.
Comment: In summary, the available evidence is currently insufficient to determine the role of this variant in disease. Therefore, it has been classified as a Variant of Uncertain Significance. This variant has not been reported in the literature in individuals affected with SLC39A13-related conditions. This variant is present in population databases (rs752159748, gnomAD 0.002%). This sequence change creates a premature translational stop signal (p.Gln143*) in the SLC39A13 gene. It is expected to result in an absent or disrupted protein product. However, the current clinical and genetic evidence is not sufficient to establish whether loss-of-function variants in SLC39A13 cause disease.